The following is an entry in ClinVar:

NM_001374385.1(ATP8B1):c.1286A>C (p.Glu429Ala)

Gene: ATP8B1 (ATPase phospholipid transporting 8B1; minus strand). Cytogenetic location: 18q21.31.
Variant type: single nucleotide variant.
Coding change: c.1286A>C on transcript NM_001374385.1 (MANE Select); coding-DNA position 1286, A replaced by C.
Protein change: p.Glu429Ala; replaces glutamic acid 429 with alanine.
Molecular consequence: missense variant.
Genome position (GRCh38, 1-based): chr18:57,688,442, T>G on the plus strand (A>C on the coding strand, the complement: ATP8B1 is on the minus strand). VCF-style: chr18-57688442-T-G. GRCh37 (hg19) VCF-style: chr18-55355674-T-G.
Other names: p.Glu429Ala; c.1136A>C, p.Glu379Ala (NM_001374386.1); c.1286A>C, p.Glu429Ala (NM_005603.6); short protein forms E429A, E379A.
Identifiers: ClinVar variation 381740 (VCV000381740.52), dbSNP rs34018205, ClinGen allele CA8974608.

ClinVar aggregate classification (germline): Conflicting classifications of pathogenicity. Review status: criteria provided, conflicting classifications (1 of 4 stars). 9 submissions from 9 submitters: Uncertain significance (2); Benign (4); Likely benign (2). 1 of the submissions does not count toward it. Last evaluated 2026-04-14.

Conditions:
Familial intrahepatic cholestasis. Identifiers: Orphanet 284385, MedGen CN296401, MONDO:0017290.
ATP8B1-related disorder. Also called: ATP8B1-related condition; ATP8B1-related disorders.
Progressive familial intrahepatic cholestasis type 1. Also called: Severe ATP8B1 Deficiency (Progressive Familial Intrahepatic Cholestasis Type 1 [PFIC1]); BYLER DISEASE; Byler's disease. Identifiers: Orphanet 79306, MedGen C4551898, MONDO:0008892, OMIM 211600.

Allele frequency attached by ClinVar (database versions not stated): gnomAD exomes 0.00025 and 0.00062; ExAC 0.00068; ESP Exome Variant Server 0.00192; gnomAD 0.00196 and 0.00201; TOPMed 0.00232; 1000 Genomes Project 0.00319; 1000 Genomes Project 30x 0.00328.
gnomAD v4.1: 698 of 1,614,202 alleles (0.043%); highest among the groups gnomAD compares: African/African-American, 0.67%; 4 homozygotes.

Submissions (9):

Genomenon, Inc
Classification: Benign for Familial intrahepatic cholestasis. Last evaluated: 2026-04-14. Review status: criteria provided, single submitter. Criteria: Genomenon Sequence Variant Interpretation Standards - Updated. Collection method: curation. Allele origin: germline. Affected: no.
Comment: ATP8B1 p.Glu429Ala (c.1286A>C) is a missense variant that changes the amino acid at residue 429 from Glutamic acid to Alanine. In silico models predict that this variant is not damaging. This variant is present at high allele frequency in population databases. In conclusion, we classify ATP8B1 p.Glu429Ala (c.1286A>C) as a benign variant.

Labcorp Genetics (formerly Invitae), Labcorp
Classification: Benign. Last evaluated: 2026-01-19. Review status: criteria provided, single submitter. Criteria: Invitae Variant Classification Sherloc (09022015). Collection method: clinical testing. Allele origin: germline.

CeGaT Center for Human Genetics Tuebingen
Classification: Likely benign. Last evaluated: 2022-05-01. Review status: criteria provided, single submitter. Criteria: CeGaT Center For Human Genetics Tuebingen Variant Classification Criteria Version 2. Collection method: clinical testing. Allele origin: germline. Affected: yes. Observed: 1 variant allele.
Comment: ATP8B1: BS2

Women's Health and Genetics/Laboratory Corporation of America, LabCorp
Classification: Likely benign. Last evaluated: 2022-02-21. Review status: criteria provided, single submitter. Criteria: LabCorp Variant Classification Summary - May 2015. Collection method: clinical testing. Allele origin: germline.
Comment: Variant summary: ATP8B1 c.1286A>C (p.Glu429Ala) results in a non-conservative amino acid change in the encoded protein sequence. Three of five in-silico tools predict a benign effect of the variant on protein function. The variant allele was found at a frequency of 0.00062 in 251446 control chromosomes, predominantly at a frequency of 0.006 within the African or African-American subpopulation in the gnomAD database, including 1 homozygote. The observed variant frequency within African or African-American control individuals in the gnomAD database is approximately 2.7 fold of the estimated maximal expected allele frequency for a pathogenic variant in ATP8B1 causing Familial Intrahepatic Cholestasis phenotype (0.0022), strongly suggesting that the variant is a benign polymorphism found primarily in populations of African or African-American origin. Although reported in the literarue, to our knowledge, no occurrence of c.1286A>C in individuals affected with Familial Intrahepatic Cholestasis and no experimental evidence demonstrating its impact on protein function have been reported. Three clinical diagnostic laboratories have submitted clinical-significance assessments for this variant to ClinVar after 2014 without evidence for independent evaluation (Benign, n=2; VUS, n=1). Based on the evidence outlined above, the variant was classified as likely benign.

Mayo Clinic Laboratories, Mayo Clinic
Classification: Uncertain significance. Last evaluated: 2021-07-16. Review status: criteria provided, single submitter. Criteria: ACMG Guidelines, 2015. Collection method: clinical testing. Allele origin: germline.

GeneDx
Classification: Uncertain significance. Last evaluated: 2018-01-24. Review status: criteria provided, single submitter. Criteria: GeneDx Variant Classification (06012015). Collection method: clinical testing. Allele origin: germline. Affected: yes.
Comment: A variant of uncertain significance has been identified in the ATP8B1 gene. The E429A variant has previously been identified as heterozygous in three individuals with benign recurrent intrahepatic cholestasis-1 or progressive familial intrahepatic cholestasis-1, however a second variant in ATP8B1 was not identified in any of these individuals (Klomp et al., 2004). It has also been reported as heterozygous in a single patient with chronic pancreatitis (van der Woerd et al., 2013). However, the 1000 Genomes Project Consortium reports E429A was observed in 13/1322 (0.98%) alleles from individuals of African background, including 9/198 (4.6%) of alleles from individuals from the Luhya population in Kenya. The E429A variant is a non-conservative amino acid substitution, which is likely to impact secondary protein structure as these residues differ in polarity, charge, size and/or other properties. This substitution occurs at a position that is conserved in mammals. In silico analysis is inconsistent in its predictions as to whether or not the variant is damaging to the protein structure/function. Therefore, based on the currently available information, it is unclear whether this variant is a pathogenic variant or a rare benign variant.

Illumina Laboratory Services, Illumina
Classification: Benign for Progressive familial intrahepatic cholestasis type 1. Last evaluated: 2017-10-03. Review status: criteria provided, single submitter. Criteria: ICSL Variant Classification Criteria 13 December 2019. Collection method: clinical testing. Allele origin: germline.
Comment: This variant was observed as part of a predisposition screen in an ostensibly healthy population. A literature search was performed for the gene, cDNA change, and amino acid change (where applicable). Publications were found based on this search. The evidence from the literature, in combination with allele frequency data from public databases where available, was sufficient to rule this variant out of causing disease. Therefore, this variant is classified as benign.

Eurofins Ntd Llc (ga)
Classification: Benign. Last evaluated: 2016-12-14. Review status: criteria provided, single submitter. Criteria: EGL Classification Definitions 2015. Collection method: clinical testing. Allele origin: germline. Observed: 1 variant allele, 1 heterozygote.

PreventionGenetics, part of Exact Sciences
Classification: Likely benign for ATP8B1-related condition. Last evaluated: 2022-12-22. Review status: no assertion criteria provided. Collection method: clinical testing. Allele origin: germline. Not counted in ClinVar's aggregate classification.
Comment: This variant is classified as likely benign based on ACMG/AMP sequence variant interpretation guidelines (Richards et al. 2015 PMID: 25741868, with internal and published modifications).

Literature cited by the submitters: PubMed 15239083 (cited by Illumina Laboratory Services, Illumina); PubMed 24260417 (cited by Illumina Laboratory Services, Illumina); PubMed 16374853 (cited by Illumina Laboratory Services, Illumina); PubMed 26594346 (cited by Illumina Laboratory Services, Illumina); PubMed 20232290 (cited by Illumina Laboratory Services, Illumina).